The following is an entry in ClinVar:

NM_001042492.3(NF1):c.4330A>C (p.Lys1444Gln)

Gene: NF1 (neurofibromin 1; plus strand). Cytogenetic location: 17q11.2.
Variant type: single nucleotide variant.
Coding change: c.4330A>C on transcript NM_001042492.3 (MANE Select); coding-DNA position 4330, A replaced by C.
Protein change: p.Lys1444Gln; replaces lysine 1444 with glutamine.
Molecular consequence: missense variant.
Genome position (GRCh38, 1-based): chr17:31,258,500, A>C. VCF-style: chr17-31258500-A-C. GRCh37 (hg19) VCF-style: chr17-29585518-A-C.
Other names: c.4267A>C, p.Lys1423Gln (NM_000267.4); short protein forms K1423Q, K1444Q.
Identifiers: ClinVar variation 431637 (VCV000431637.15), dbSNP rs137854550, ClinGen allele CA398998175.

ClinVar aggregate classification (germline): Pathogenic/Likely pathogenic. Review status: criteria provided, multiple submitters, no conflicts (2 of 4 stars). 7 submissions from 7 submitters: Pathogenic (4); Likely pathogenic (3). Last evaluated 2025-12-17.

Conditions:
Hereditary cancer-predisposing syndrome. Also called: Hereditary neoplastic syndrome; Tumor predisposition; Neoplastic Syndromes, Hereditary; Hereditary Cancer Syndrome. Identifiers: Orphanet 140162, MedGen C0027672, MeSH D009386, MONDO:0015356.
Cardiovascular phenotype. Identifiers: MedGen CN230736.
Neurofibromatosis, type 1 (NF1). Also called: Neurofibromatosis, type I; NEUROFIBROMATOSIS, TYPE I, SOMATIC; Peripheral type neurofibromatosis; VON RECKLINGHAUSEN DISEASE. Identifiers: Orphanet 636, MedGen C0027831, MONDO:0018975, OMIM 162200. Disease mechanism: loss of function.

Submissions (7):

Labcorp Genetics (formerly Invitae), Labcorp
Classification: Pathogenic for Neurofibromatosis, type 1. Last evaluated: 2025-12-17. Review status: criteria provided, single submitter. Criteria: Invitae Variant Classification Sherloc (09022015). Collection method: clinical testing. Allele origin: germline.
Comment: This sequence change replaces lysine, which is basic and polar, with glutamine, which is neutral and polar, at codon 1423 of the NF1 protein (p.Lys1423Gln). This variant is not present in population databases (gnomAD no frequency). This missense change has been observed in individual(s) with NF1-related conditions (PMID: 31595648). In at least one individual the variant was observed to be de novo. Invitae Evidence Modeling of clinical and family history, age, sex, and reported ancestry of multiple individuals with this NF1 variant has been performed. This variant is expected to be pathogenic with a positive predictive value of at least 99%. This is a validated machine learning model that incorporates the clinical features of 1,785,918 individuals referred to our laboratory for NF1 testing. ClinVar contains an entry for this variant (Variation ID: 431637). An algorithm developed to predict the effect of missense changes on protein structure and function (PolyPhen-2) suggests that this variant is likely to be disruptive. Experimental studies have shown that this missense change affects NF1 function (PMID: 8264648). This variant disrupts the p.Lys1423 amino acid residue in NF1. Other variant(s) that disrupt this residue have been determined to be pathogenic (PMID: 1568247, 11857752, 16380919, 16786508, 22807134, 23244495, 27322474). This suggests that this residue is clinically significant, and that variants that disrupt this residue are likely to be disease-causing. For these reasons, this variant has been classified as Pathogenic.

GeneDx
Classification: Pathogenic. Last evaluated: 2023-01-26. Review status: criteria provided, single submitter. Criteria: GeneDx Variant Classification Process June 2021. Collection method: clinical testing. Allele origin: germline. Affected: yes.
Comment: Published functional studies demonstrate a damaging effect: decreased GAP activity and affinity for Ras and reduced ability of neurofibromin to associate with microtubules (Xu and Gutmann, 1997; Poullet et al., 1994); Not observed at significant frequency in large population cohorts (gnomAD); In silico analysis supports that this missense variant has a deleterious effect on protein structure/function; This variant is associated with the following publications: (PMID: 31066482, 23656349, 27716896, 29290338, 9219873, 25486365, 22807134, 8264648, 34080803, 31595648)

Medical Genetics, University of Parma
Classification: Likely pathogenic for Neurofibromatosis, type 1. Last evaluated: 2022-08-17. Review status: criteria provided, single submitter. Criteria: ACMG Guidelines, 2015. Collection method: clinical testing. Allele origin: germline. Inheritance: Autosomal dominant inheritance. Affected: yes.

Genome-Nilou Lab
Classification: Likely pathogenic for Neurofibromatosis, type 1. Last evaluated: 2022-03-15. Review status: criteria provided, single submitter. Criteria: ACMG Guidelines, 2015. Collection method: clinical testing. Allele origin: germline. Affected: no.

Ambry Genetics
Classification: Pathogenic for Cardiovascular phenotype; Hereditary cancer-predisposing syndrome. Last evaluated: 2021-04-21. Review status: criteria provided, single submitter. Criteria: Ambry Variant Classification Scheme 2023. Collection method: clinical testing. Allele origin: germline.
Comment: The p.K1423Q pathogenic mutation (also known as c.4267A>C), located in coding exon 31 of the NF1 gene, results from an A to C substitution at nucleotide position 4267. The lysine at codon 1423 is replaced by glutamine, an amino acid with similar properties. This alteration has been identified in multiple individuals with a clinical diagnosis of neurofibromatosis type 1 (Koczkowska M et al. Hum Mutat, 2020 01;41:299-315). This amino acid position is highly conserved in available vertebrate species. In addition, this alteration is predicted to be deleterious by in silico analysis. This variant is considered to be rare based on population cohorts in the Genome Aggregation Database (gnomAD). As such, this alteration is interpreted as a disease-causing mutation.

UAB Medical Genomics Laboratory, UAB Medicine
Classification: Pathogenic for Neurofibromatosis, type 1. Last evaluated: 2019-06-05. Review status: criteria provided, single submitter. Criteria: ACMG Guidelines, 2015. Collection method: clinical testing. Allele origin: de novo. Affected: yes.

Center for Human Genetics, Inc
Classification: Likely pathogenic for Neurofibromatosis, type 1. Last evaluated: 2016-11-01. Review status: criteria provided, single submitter. Criteria: ACMG Guidelines, 2015. Collection method: clinical testing. Allele origin: germline. Affected: yes.

Literature cited by the submitters: PubMed 31595648 (cited by Labcorp Genetics (formerly Invitae), Labcorp and UAB Medical Genomics Laboratory, UAB Medicine); PubMed 8264648 (cited by Labcorp Genetics (formerly Invitae), Labcorp); PubMed 1568247 (cited by Labcorp Genetics (formerly Invitae), Labcorp); PubMed 11857752 (cited by Labcorp Genetics (formerly Invitae), Labcorp); PubMed 16380919 (cited by Labcorp Genetics (formerly Invitae), Labcorp); PubMed 16786508 (cited by Labcorp Genetics (formerly Invitae), Labcorp); PubMed 22807134 (cited by Labcorp Genetics (formerly Invitae), Labcorp); PubMed 23244495 (cited by Labcorp Genetics (formerly Invitae), Labcorp); PubMed 27322474 (cited by Labcorp Genetics (formerly Invitae), Labcorp); PubMed 29290338 (cited by UAB Medical Genomics Laboratory, UAB Medicine).